The following is an entry in ClinVar:

NM_001146079.2(CLDN14):c.488C>T (p.Ala163Val)

Genes: CLDN14 (claudin 14; minus strand), CLDN14-AS1 (CLDN14 antisense RNA 1; plus strand). Cytogenetic location: 21q22.13.
Variant type: single nucleotide variant.
Coding change: c.488C>T on transcript NM_001146079.2 (MANE Select); coding-DNA position 488, C replaced by T.
Protein change: p.Ala163Val; replaces alanine 163 with valine.
Molecular consequence: missense variant.
Genome position (GRCh38, 1-based): chr21:36,461,208, G>A on the plus strand (C>T on the coding strand, the complement: CLDN14 is on the minus strand). VCF-style: chr21-36461208-G-A. GRCh37 (hg19) VCF-style: chr21-37833506-G-A.
Other names: c.488C>T, p.Ala163Val (NM_001146077.2, NM_001146078.3, NM_012130.4 and 1 more transcripts); short protein forms A163V.
Identifiers: ClinVar variation 228519 (VCV000228519.36), dbSNP rs143797113, ClinGen allele CA10019249.

ClinVar aggregate classification (germline): Conflicting classifications of pathogenicity. Review status: criteria provided, conflicting classifications (1 of 4 stars). 16 submissions from 16 submitters: Pathogenic (4); Likely pathogenic (10); Uncertain significance (1). 1 of the submissions does not count toward it. Last evaluated 2026-07-20.

Conditions:
CLDN14-related disorders.
CLDN14-related disorder. Also called: CLDN14-related condition.
Monogenic hearing loss.
Autosomal recessive nonsyndromic hearing loss 29. Identifiers: Orphanet 90636, MedGen C3279660, MONDO:0013537, OMIM 614035.

Allele frequency attached by ClinVar (database versions not stated): ExAC 0.00026; gnomAD exomes 0.00029 and 0.00075; 1000 Genomes Project 0.00040; TOPMed 0.00043; gnomAD 0.00044 and 0.00046; ESP Exome Variant Server 0.00046; 1000 Genomes Project 30x 0.00047.
gnomAD v4.1: 1,149 of 1,614,124 alleles (0.071%); highest among the groups gnomAD compares: Non-Finnish European, 0.093%; 1 homozygote.

Submissions 1 to 12 of 16:

Genetics Laboratory, Great Ormond Street Hospital NHS Foundation Trust, North Thames Genomic Laboratory Hub
Classification: Likely pathogenic for Monogenic hearing loss. Last evaluated: 2026-07-20. Review status: criteria provided, single submitter. Criteria: ACGS Best Practice Guidelines for Variant Classification in Rare Disease 2024 v1.2. Collection method: clinical testing. Allele origin: germline. Affected: yes.
Comment: PP3_supporting, PP1_strong, PM3_moderate

PreventionGenetics, part of Exact Sciences
Classification: Likely pathogenic for CLDN14-related condition. Last evaluated: 2026-05-18. Review status: criteria provided, single submitter. Criteria: ACMG Guidelines, 2015. Collection method: clinical testing. Allele origin: germline.
Comment: The CLDN14 c.488C>T variant is predicted to result in the amino acid substitution p.Ala163Val. This variant has been reported to be causative for autosomal recessive prelingual sensorineural hearing loss and has been described as a founder mutation in the Newfoundland population (Table S3, Sloan-Heggen et al. 2016. PubMed ID: 26969326; Pater et al. 2017. PubMed ID: 27838790). This variant is reported in 0.061% of alleles in individuals of European (Non-Finnish) descent in gnomAD. This variant is interpreted as likely pathogenic.

Laboratory of Molecular, Cellular and Translation Genetics in Otolaryngology/ Lim32-hcfmusp, University of Sao Paulo School of Medicine Clinics Hospital
Classification: Likely pathogenic for Autosomal recessive nonsyndromic hearing loss 29. Last evaluated: 2026-04-30. Review status: criteria provided, single submitter. Criteria: ACMG Guidelines, 2015. Collection method: research. Allele origin: germline. Affected: yes.
Comment: NM_001146079.2:c.488C>T:p.(Ala163Val). This variant has been classified as likely pathogenic. It is rare in population databases (PM2_supporting), and in silico prediction tools support a deleterious effect on protein function (PP3_moderate). It has been previously reported in trans with other pathogenic CLDN14 variants (PM3; see PMID below). The variant is located in a mutational hotspot and/or a critical and well-established functional domain (PM1). These findings further support the causative role of this variant in autosomal recessive hearing loss as described in PMID: 42233699.

Labcorp Genetics (formerly Invitae), Labcorp
Classification: Pathogenic. Last evaluated: 2026-01-24. Review status: criteria provided, single submitter. Criteria: Invitae Variant Classification Sherloc (09022015). Collection method: clinical testing. Allele origin: germline.
Comment: This sequence change replaces alanine, which is neutral and non-polar, with valine, which is neutral and non-polar, at codon 163 of the CLDN14 protein (p.Ala163Val). This variant is present in population databases (rs143797113, gnomAD 0.06%). This missense change has been observed in individual(s) with autosomal recessive nonsyndromic deafness (PMID: 27838790). It is commonly reported in individuals of Newfoundland ancestry (PMID: 27838790). ClinVar contains an entry for this variant (Variation ID: 228519). An algorithm developed to predict the effect of missense changes on protein structure and function (PolyPhen-2) suggests that this variant is likely to be disruptive. For these reasons, this variant has been classified as Pathogenic.

Variantyx, Inc.
Classification: Likely pathogenic for Autosomal recessive nonsyndromic hearing loss 29. Last evaluated: 2026-01-14. Review status: criteria provided, single submitter. Criteria: Variantyx Assertion Criteria 2022. Collection method: clinical testing. Allele origin: germline. Inheritance: Autosomal recessive inheritance. Affected: no.
Comment: This is a nonsynonymous variant in the CLDN14 gene (OMIM: 605608). Pathogenic variants in this gene have been associated with autosomal recessive deafness 29. This variant has been observed to segregate with disease in multiple affected individuals from one family (PMID: 27838790) (PP1). Multiple computational algorithms predict a deleterious effect for this variant (REVEL score: 0.833) (PP3). The maximum allele frequency in non-founder control populations of this variant is 0.0934%. Based on the current evidence, this variant is classified as likely pathogenic for autosomal recessive deafness 29.

Dasa
Classification: Likely pathogenic. Last evaluated: 2025-12-10. Review status: criteria provided, single submitter. Criteria: DASA Assertion Criteria. Collection method: clinical testing. Allele origin: germline.
Comment: NM_001146079.2(CLDN14):c.488C>T (p.Ala163Val) is a missense variant that results in the substitution of alanine with valine. Segregation data support an association with disease in the reported family/families (PMID: 27838790). This variant has been reported in individuals with CLDN14-related disorders (PMID: 26969326). Also, this variant is rare in population databases. Computational evidence supports a deleterious effect. Based on the currently available evidence, this variant is classified as likely pathogenic.

GeneDx
Classification: Likely pathogenic. Last evaluated: 2025-10-18. Review status: criteria provided, single submitter. Criteria: GeneDx Variant Classification Process June 2021. Collection method: clinical testing. Allele origin: germline. Affected: yes.
Comment: Observed with a pathogenic CLDN14 variant in a patient with hearing loss in published literature, but it is not known whether the variants occurred on the same (in cis) or on different (in trans) chromosomes (PMID: 26969326); In silico analysis supports that this missense variant has a deleterious effect on protein structure/function; This variant is associated with the following publications: (PMID: 29447821, 23991001, 36147510, 36833326, 38790217, 27838790, 26969326)

Rare Kidney Stone Consortium and the Mayo Clinic Hyperoxaluria Center, Mayo Clinic
Classification: Uncertain significance for Autosomal recessive nonsyndromic hearing loss 29. Last evaluated: 2025-10-03. Review status: criteria provided, single submitter. Criteria: ACMG Guidelines, 2015. Collection method: research. Allele origin: germline. Observed: 1 variant allele.
Comment: ACMG:PM1, PM2, PP3, PP5

Blueprint Genetics
Classification: Pathogenic for CLDN14-related disorders. Last evaluated: 2024-11-14. Review status: criteria provided, single submitter. Criteria: ACMG Guidelines, 2015. Collection method: clinical testing. Allele origin: germline. Affected: yes. Observed: 5 variant alleles.

Greenwood Genetic Center Diagnostic Laboratories, Greenwood Genetic Center
Classification: Likely pathogenic for Autosomal recessive nonsyndromic hearing loss 29. Last evaluated: 2024-07-09. Review status: criteria provided, single submitter. Criteria: ACMG Guidelines, 2015. Collection method: clinical testing. Allele origin: germline. Affected: yes.
Comment: PM2, PM3, PP1, PP3

Department of Pathology and Laboratory Medicine, Sinai Health System
Classification: Likely pathogenic for Autosomal recessive nonsyndromic hearing loss 29. Last evaluated: 2023-03-02. Review status: criteria provided, single submitter. Criteria: ACMG Guidelines, 2015. Collection method: research. Allele origin: germline.

Pittsburgh Clinical Genomics Laboratory, University of Pittsburgh Medical Center
Classification: Likely pathogenic for Autosomal recessive nonsyndromic hearing loss 29. Last evaluated: 2023-02-14. Review status: criteria provided, single submitter. Criteria: ACMG Guidelines, 2015. Collection method: clinical testing. Allele origin: germline. Inheritance: Autosomal recessive inheritance. Affected: yes.
Comment: This sequence variant is a single nucleotide substitution (C>T) at coding position 488 of the CLDN14 gene that results in an alanine to valine amino acid change at residue 163 of the CLDN14 encoded protein, Claudin-14. The Ala163 residue falls in the fourth transmembrane domain (PMID: 27838790). This is a previously reported variant (ClinVar) that has been observed in homozygous and compound heterozygous individuals affected by hearing loss. The alysis of 3 families spanning multiple generations found that this variant, in the homozygous state, associates with hearing loss. This variant is present in 89 of 281,138 (0.03%) alleles in the gnomAD population database. In addition, it is believed to be a founder variant in the Newfoundland island population. Multiple bioinformatic tools predict that this alanine to valine amino acid change would be damaging, and the alanine residue at this position is strongly conserved across the vertebrate species examined. Studies examining the functiol consequence of this variant have not been published, to our knowledge. We consider this a likely pathogenic variant. ACMG Criteria: PM1, PP1, PP3